The following is an entry in ClinVar:

NM_005251.3(FOXC2):c.1495A>G (p.Thr499Ala)

Gene: FOXC2 (forkhead box C2; plus strand). Cytogenetic location: 16q24.1.
Variant type: single nucleotide variant.
Coding change: c.1495A>G on transcript NM_005251.3 (MANE Select); coding-DNA position 1495, A replaced by G.
Protein change: p.Thr499Ala; replaces threonine 499 with alanine.
Molecular consequence: missense variant.
Genome position (GRCh38, 1-based): chr16:86,568,830, A>G. VCF-style: chr16-86568830-A-G. GRCh37 (hg19) VCF-style: chr16-86602436-A-G.
Other names: short protein forms T499A.
Identifiers: ClinVar variation 2605442 (VCV002605442.3), dbSNP rs750901158, ClinGen allele CA8218500.

ClinVar aggregate classification (germline): Uncertain significance. Review status: criteria provided, multiple submitters, no conflicts (2 of 4 stars). 2 submissions from 2 submitters: Uncertain significance (2). Last evaluated 2025-11-08.

Conditions:
Inborn genetic diseases. Identifiers: MedGen C0950123, MeSH D030342.

Allele frequency attached by ClinVar (database versions not stated): gnomAD exomes below 0.00001; ExAC 0.00001; gnomAD 0.00001.
gnomAD v4.1: 4 of 1,612,670 alleles (0.00025%); highest among the groups gnomAD compares: East Asian, 0.0022%; no homozygotes.

Submissions (2):

Labcorp Genetics (formerly Invitae), Labcorp
Classification: Uncertain significance. Last evaluated: 2025-11-08. Review status: criteria provided, single submitter. Criteria: Invitae Variant Classification Sherloc (09022015). Collection method: clinical testing. Allele origin: germline.
Comment: This sequence change replaces threonine, which is neutral and polar, with alanine, which is neutral and non-polar, at codon 499 of the FOXC2 protein (p.Thr499Ala). This variant is present in population databases (rs750901158, gnomAD 0.02%). This variant has not been reported in the literature in individuals affected with FOXC2-related conditions. ClinVar contains an entry for this variant (Variation ID: 2605442). An algorithm developed to predict the effect of missense changes on protein structure and function (PolyPhen-2) suggests that this variant is likely to be tolerated. In summary, the available evidence is currently insufficient to determine the role of this variant in disease. Therefore, it has been classified as a Variant of Uncertain Significance.

Ambry Genetics
Classification: Uncertain significance for Inborn genetic diseases. Last evaluated: 2023-06-22. Review status: criteria provided, single submitter. Criteria: Ambry Variant Classification Scheme 2023. Collection method: clinical testing. Allele origin: germline.